The following is an entry in ClinVar:

ClinVar aggregate classification (germline): Uncertain significance. Review status: criteria provided, multiple submitters, no conflicts (2 of 4 stars). 2 submissions from 2 submitters: Uncertain significance (2). Last evaluated 2024-11-28.

Allele frequency attached by ClinVar (database versions not stated): gnomAD 0.00001; TOPMed 0.00001.
gnomAD v4.1: 13 of 1,614,022 alleles (0.00081%); highest among the groups gnomAD compares: South Asian, 0.0022%; no homozygotes.

Submissions (2):

Ambry Genetics
Classification: Uncertain significance. Last evaluated: 2024-11-28. Review status: criteria provided, single submitter. Criteria: Ambry Variant Classification Scheme 2023. Collection method: clinical testing. Allele origin: germline.
Comment: The p.V603M variant (also known as c.1807G>A), located in coding exon 9 of the ATRIP gene, results from a G to A substitution at nucleotide position 1807. The valine at codon 603 is replaced by methionine, an amino acid with highly similar properties. This amino acid position is conserved. In addition, this alteration is predicted to be tolerated by in silico analysis. Based on the available evidence, the clinical significance of this variant remains unclear.

Labcorp Genetics (formerly Invitae), Labcorp
Classification: Uncertain significance. Last evaluated: 2023-05-01. Review status: criteria provided, single submitter. Criteria: Invitae Variant Classification Sherloc (09022015). Collection method: clinical testing. Allele origin: germline.
Comment: This sequence change replaces valine, which is neutral and non-polar, with methionine, which is neutral and non-polar, at codon 603 of the ATRIP protein (p.Val603Met). This variant is present in population databases (rs371871471, gnomAD 0.01%). This variant has not been reported in the literature in individuals affected with ATRIP-related conditions. ClinVar contains an entry for this variant (Variation ID: 2349903). Algorithms developed to predict the effect of missense changes on protein structure and function output the following: SIFT: "Not Available"; PolyPhen-2: "Benign"; Align-GVGD: "Not Available". The methionine amino acid residue is found in multiple mammalian species, which suggests that this missense change does not adversely affect protein function. In summary, the available evidence is currently insufficient to determine the role of this variant in disease. Therefore, it has been classified as a Variant of Uncertain Significance.

NM_130384.3(ATRIP):c.1807G>A (p.Val603Met)

Genes: ATRIP (ATR interacting protein; plus strand), ATRIP-TREX1 (ATRIP-TREX1 readthrough; plus strand). Cytogenetic location: 3p21.31.
Variant type: single nucleotide variant.
Coding change: c.1807G>A on transcript NM_130384.3 (MANE Select); coding-DNA position 1807, G replaced by A.
Protein change: p.Val603Met; replaces valine 603 with methionine.
Molecular consequence: missense variant. On other transcripts: non-coding transcript variant (1).
Genome position (GRCh38, 1-based): chr3:48,463,806, G>A. VCF-style: chr3-48463806-G-A. GRCh37 (hg19) VCF-style: chr3-48505205-G-A.
Other names: c.1426G>A, p.Val476Met (NM_001271022.2); c.1528G>A, p.Val510Met (NM_001271023.2); c.1807G>A, p.Val603Met (NM_032166.4); short protein forms V476M, V510M, V603M.
Identifiers: ClinVar variation 2349903 (VCV002349903.5), dbSNP rs371871471, ClinGen allele CA2376283.